The following is an entry in ClinVar:

ClinVar aggregate classification (germline): Uncertain significance (1 of 4 stars; one submission).

Conditions:
Hereditary cancer-predisposing syndrome. Also called: Tumor predisposition; Hereditary neoplastic syndrome; Hereditary Cancer Syndrome; Neoplastic Syndromes, Hereditary. Identifiers: Orphanet 140162, MedGen C0027672, MeSH D009386, MONDO:0015356.

Submission:

Ambry Genetics
Classification: Uncertain significance for Hereditary cancer-predisposing syndrome. Last evaluated: 2026-03-18. Review status: criteria provided, single submitter. Criteria: Ambry Variant Classification Scheme 2023. Collection method: clinical testing. Allele origin: germline.
Comment: The p.G2694V variant (also known as c.8081G>T), located in coding exon 54 of the ATM gene, results from a G to T substitution at nucleotide position 8081. The glycine at codon 2694 is replaced by valine, an amino acid with dissimilar properties. In an assay testing ATM function, this variant showed a functionally abnormal result (Lee KS et al. Cell, 2025 Sep;188:5081-5099.e27). This amino acid position is highly conserved in available vertebrate species. In addition, this alteration is predicted to be deleterious by in silico analysis. Based on the available evidence, the clinical significance of this variant remains unclear.

Literature cited by the submitters: PubMed 40580951.

NM_000051.4(ATM):c.8081G>T (p.Gly2694Val)

Genes: ATM (ATM serine/threonine kinase; plus strand), C11orf65 (chromosome 11 open reading frame 65; minus strand). Cytogenetic location: 11q22.3.
Variant type: single nucleotide variant.
Coding change: c.8081G>T on transcript NM_000051.4 (MANE Select); coding-DNA position 8081, G replaced by T.
Protein change: p.Gly2694Val; replaces glycine 2694 with valine.
Molecular consequence: missense variant. On other transcripts: intron variant (2).
Genome position (GRCh38, 1-based): chr11:108,335,039, G>T. VCF-style: chr11-108335039-G-T. GRCh37 (hg19) VCF-style: chr11-108205766-G-T.
Other names: c.8081G>T, p.Gly2694Val (NM_001351834.2); c.641-25968C>A (NM_001330368.2); c.*38+181C>A (NM_001351110.2); short protein forms G2694V.
Identifiers: ClinVar variation 4865915 (VCV004865915.1).